The following is an entry in ClinVar:

NM_025144.4(ALPK1):c.23C>A (p.Ala8Asp)

Gene: ALPK1 (alpha kinase 1; plus strand). Cytogenetic location: 4q25.
Variant type: single nucleotide variant.
Coding change: c.23C>A on transcript NM_025144.4 (MANE Select); coding-DNA position 23, C replaced by A.
Protein change: p.Ala8Asp; replaces alanine 8 with aspartic acid.
Molecular consequence: missense variant. On other transcripts: 5 prime UTR variant (1).
Genome position (GRCh38, 1-based): chr4:112,377,800, C>A. VCF-style: chr4-112377800-C-A. GRCh37 (hg19) VCF-style: chr4-113298956-C-A.
Other names: c.23C>A, p.Ala8Asp (NM_001102406.2); c.-57C>A (NM_001253884.2); c.23C>A (NM_025144.3); short protein forms A8D.
Identifiers: ClinVar variation 2418413 (VCV002418413.7), dbSNP rs762537510, ClinGen allele CA3046228.

ClinVar aggregate classification (germline): Uncertain significance. Review status: criteria provided, multiple submitters, no conflicts (2 of 4 stars). 2 submissions from 2 submitters: Uncertain significance (2). Last evaluated 2025-09-28.

Conditions:
Inborn genetic diseases. Identifiers: MedGen C0950123, MeSH D030342.

Allele frequency attached by ClinVar (database versions not stated): gnomAD exomes 0.00001; ExAC 0.00002.
gnomAD v4.1: 8 of 1,612,136 alleles (0.0005%); highest among the groups gnomAD compares: Non-Finnish European, 0.00068%; no homozygotes.

Submissions (2):

Labcorp Genetics (formerly Invitae), Labcorp
Classification: Uncertain significance. Last evaluated: 2025-09-28. Review status: criteria provided, single submitter. Criteria: Invitae Variant Classification Sherloc (09022015). Collection method: clinical testing. Allele origin: germline.
Comment: This sequence change replaces alanine, which is neutral and non-polar, with aspartic acid, which is acidic and polar, at codon 8 of the ALPK1 protein (p.Ala8Asp). This variant is present in population databases (rs762537510, gnomAD 0.004%). This variant has not been reported in the literature in individuals affected with ALPK1-related conditions. ClinVar contains an entry for this variant (Variation ID: 2418413). An algorithm developed to predict the effect of missense changes on protein structure and function (PolyPhen-2) suggests that this variant is likely to be tolerated. In summary, the available evidence is currently insufficient to determine the role of this variant in disease. Therefore, it has been classified as a Variant of Uncertain Significance.

Ambry Genetics
Classification: Uncertain significance for Inborn genetic diseases. Last evaluated: 2025-04-10. Review status: criteria provided, single submitter. Criteria: Ambry Variant Classification Scheme 2023. Collection method: clinical testing. Allele origin: germline.